The following is an entry in ClinVar:

ClinVar aggregate classification (germline): Benign/Likely benign. Review status: criteria provided, multiple submitters, no conflicts (2 of 4 stars). 4 submissions from 4 submitters: Benign (2); Likely benign (1). 1 of the submissions does not count toward it. Last evaluated 2025-12-23.

Conditions:
DIAPH3-related disorder. Also called: DIAPH3-related condition.

Allele frequency attached by ClinVar (database versions not stated): gnomAD exomes 0.00018 and 0.00050; ExAC 0.00069; ESP Exome Variant Server 0.00178; gnomAD 0.00178 and 0.00184; TOPMed 0.00193; 1000 Genomes Project 0.00200; 1000 Genomes Project 30x 0.00219.
gnomAD v4.1: 543 of 1,612,038 alleles (0.034%); highest among the groups gnomAD compares: African/African-American, 0.62%; 2 homozygotes.

Submissions (4):

Labcorp Genetics (formerly Invitae), Labcorp
Classification: Benign. Last evaluated: 2025-12-23. Review status: criteria provided, single submitter. Criteria: Invitae Variant Classification Sherloc (09022015). Collection method: clinical testing. Allele origin: germline.

Blueprint Genetics
Classification: Likely benign. Last evaluated: 2024-09-02. Review status: criteria provided, single submitter. Criteria: ACMG Guidelines, 2015. Collection method: clinical testing. Allele origin: germline.

GeneDx
Classification: Benign. Last evaluated: 2019-01-28. Review status: criteria provided, single submitter. Criteria: GeneDx Variant Classification Process June 2021. Collection method: clinical testing. Allele origin: germline. Affected: yes.

PreventionGenetics, part of Exact Sciences
Classification: Benign for DIAPH3-related condition. Last evaluated: 2019-09-26. Review status: no assertion criteria provided. Collection method: clinical testing. Allele origin: germline. Not counted in ClinVar's aggregate classification.
Comment: This variant is classified as benign based on ACMG/AMP sequence variant interpretation guidelines (Richards et al. 2015 PMID: 25741868, with internal and published modifications).

NM_001042517.2(DIAPH3):c.1197T>C (p.Asp399=)

Gene: DIAPH3 (diaphanous related formin 3; minus strand). Cytogenetic location: 13q21.2.
Variant type: single nucleotide variant.
Coding change: c.1197T>C on transcript NM_001042517.2 (MANE Select); coding-DNA position 1197, T replaced by C.
Protein change: p.Asp399=; no amino-acid change (aspartic acid 399 retained).
Molecular consequence: synonymous variant.
Genome position (GRCh38, 1-based): chr13:59,992,115, A>G on the plus strand (T>C on the coding strand, the complement: DIAPH3 is on the minus strand). VCF-style: chr13-59992115-A-G. GRCh37 (hg19) VCF-style: chr13-60566249-A-G.
Other names: c.1164T>C, p.Asp388= (NM_001258366.2); c.1059T>C, p.Asp353= (NM_001258367.2); c.987T>C, p.Asp329= (NM_001258368.2); c.1197T>C, p.Asp399= (NM_001258369.2); c.408T>C, p.Asp136= (NM_001258370.2, NM_030932.4).
Identifiers: ClinVar variation 713518 (VCV000713518.14), dbSNP rs147456179, ClinGen allele CA6996772.